The following is an entry in ClinVar:

NM_022081.6(HPS4):c.1535C>T (p.Ser512Leu)

Gene: HPS4 (HPS4 biogenesis of lysosomal organelles complex 3 subunit 2; minus strand). Cytogenetic location: 22q12.1.
Variant type: single nucleotide variant.
Coding change: c.1535C>T on transcript NM_022081.6 (MANE Select); coding-DNA position 1535, C replaced by T.
Protein change: p.Ser512Leu; replaces serine 512 with leucine.
Molecular consequence: missense variant. On other transcripts: non-coding transcript variant (8).
Genome position (GRCh38, 1-based): chr22:26,464,095, G>A on the plus strand (C>T on the coding strand, the complement: HPS4 is on the minus strand). VCF-style: chr22-26464095-G-A. GRCh37 (hg19) VCF-style: chr22-26860061-G-A.
Other names: p.Ser512Leu; c.1535C>T, p.Ser512Leu (NM_001349896.1, NM_001349898.2, NM_001349899.2 and 4 more transcripts); c.1589C>T, p.Ser530Leu (NM_001349900.2, NM_001349901.1); c.1520C>T, p.Ser507Leu (NM_152841.2); c.1535C>T (NM_022081.4); short protein forms S507L, S512L, S530L.
Identifiers: ClinVar variation 341007 (VCV000341007.11), dbSNP rs150216540, ClinGen allele CA10163297.

ClinVar aggregate classification (germline): Uncertain significance. Review status: criteria provided, multiple submitters, no conflicts (2 of 4 stars). 4 submissions from 4 submitters: Uncertain significance (4). Last evaluated 2025-08-29.

Conditions:
Hermansky-Pudlak syndrome 4 (HPS4). Identifiers: Orphanet 231500, Orphanet 79430, MedGen C3484357, MONDO:0013556, OMIM 614073.
Inborn genetic diseases. Identifiers: MedGen C0950123, MeSH D030342.

Allele frequency attached by ClinVar (database versions not stated): TOPMed 0.00002; gnomAD exomes 0.00012.
gnomAD v4.1: 172 of 1,614,158 alleles (0.011%); highest among the groups gnomAD compares: Non-Finnish European, 0.014%; no homozygotes.

Submissions (4):

Ambry Genetics
Classification: Uncertain significance for Inborn genetic diseases. Last evaluated: 2025-08-29. Review status: criteria provided, single submitter. Criteria: Ambry Variant Classification Scheme 2023. Collection method: clinical testing. Allele origin: germline.

Mayo Clinic Laboratories, Mayo Clinic
Classification: Uncertain significance. Last evaluated: 2025-01-30. Review status: criteria provided, single submitter. Criteria: ACMG Guidelines, 2015. Collection method: clinical testing. Allele origin: germline. Observed: 1 variant allele.
Comment: BP4_strong, PM2_supporting

Labcorp Genetics (formerly Invitae), Labcorp
Classification: Uncertain significance. Last evaluated: 2022-06-27. Review status: criteria provided, single submitter. Criteria: Invitae Variant Classification Sherloc (09022015). Collection method: clinical testing. Allele origin: germline.
Comment: This sequence change replaces serine, which is neutral and polar, with leucine, which is neutral and non-polar, at codon 512 of the HPS4 protein (p.Ser512Leu). This variant is present in population databases (rs150216540, gnomAD 0.007%). This variant has not been reported in the literature in individuals affected with HPS4-related conditions. ClinVar contains an entry for this variant (Variation ID: 341007). Algorithms developed to predict the effect of missense changes on protein structure and function output the following: SIFT: "Tolerated"; PolyPhen-2: "Benign"; Align-GVGD: "Class C15". The leucine amino acid residue is found in multiple mammalian species, which suggests that this missense change does not adversely affect protein function. In summary, the available evidence is currently insufficient to determine the role of this variant in disease. Therefore, it has been classified as a Variant of Uncertain Significance.

Illumina Laboratory Services, Illumina
Classification: Uncertain significance for Hermansky-Pudlak syndrome 4. Last evaluated: 2018-01-13. Review status: criteria provided, single submitter. Criteria: ICSL Variant Classification Criteria 13 December 2019. Collection method: clinical testing. Allele origin: germline.